The following is an entry in ClinVar:

ClinVar aggregate classification (germline): Likely benign. Review status: criteria provided, multiple submitters, no conflicts (2 of 4 stars). 2 submissions from 2 submitters: Likely benign (2). Last evaluated 2024-08-01.

Allele frequency attached by ClinVar (database versions not stated): ExAC 0.00005; gnomAD exomes 0.00005; gnomAD 0.00010; TOPMed 0.00015.
gnomAD v4.1: 85 of 1,613,964 alleles (0.0053%); highest among the groups gnomAD compares: African/African-American, 0.016%; 1 homozygote.

Submissions (2):

CeGaT Center for Human Genetics Tuebingen
Classification: Likely benign. Last evaluated: 2024-08-01. Review status: criteria provided, single submitter. Criteria: CeGaT Center For Human Genetics Tuebingen Variant Classification Criteria Version 2. Collection method: clinical testing. Allele origin: germline. Affected: yes. Observed: 2 variant alleles.
Comment: WDR45B: BP4, BP7

Labcorp Genetics (formerly Invitae), Labcorp
Classification: Likely benign. Last evaluated: 2018-10-21. Review status: criteria provided, single submitter. Criteria: Invitae Variant Classification Sherloc (09022015). Collection method: clinical testing. Allele origin: germline.

NM_019613.4(WDR45B):c.78G>A (p.Ala26=)

Gene: WDR45B (WD repeat domain 45B; minus strand). Cytogenetic location: 17q25.3.
Variant type: single nucleotide variant.
Coding change: c.78G>A on transcript NM_019613.4 (MANE Select); coding-DNA position 78, G replaced by A.
Protein change: p.Ala26=; no amino-acid change (alanine 26 retained).
Molecular consequence: synonymous variant.
Genome position (GRCh38, 1-based): chr17:82,644,013, C>T on the plus strand (G>A on the coding strand, the complement: WDR45B is on the minus strand). VCF-style: chr17-82644013-C-T. GRCh37 (hg19) VCF-style: chr17-80601889-C-T.
Identifiers: ClinVar variation 792993 (VCV000792993.27), dbSNP rs201972875, ClinGen allele CA8860173.